The following is an entry in ClinVar:

ClinVar aggregate classification (germline): Uncertain significance (1 of 4 stars; one submission).

Conditions:
Congenital myotonia, autosomal dominant form (THD). Also called: THOMSEN DISEASE; Myotonia congenita autosomal dominant. Identifiers: Orphanet 614, MedGen C2936781, MONDO:0008055, OMIM 160800.
Congenital myotonia, autosomal recessive form. Also called: BECKER DISEASE; Becker Generalized Myotonia; myotonia congenita, autosomal recessive. Identifiers: Orphanet 614, MedGen C0751360, MONDO:0009715, OMIM 255700.

gnomAD v4.1: 1 of 1,613,820 alleles (0.000062%); highest among the groups gnomAD compares: East Asian, 0.0022%; no homozygotes.

Submission:

Labcorp Genetics (formerly Invitae), Labcorp
Classification: Uncertain significance for Congenital myotonia, autosomal recessive form; Congenital myotonia, autosomal dominant form. Last evaluated: 2023-06-07. Review status: criteria provided, single submitter. Criteria: Invitae Variant Classification Sherloc (09022015). Collection method: clinical testing. Allele origin: germline.
Comment: This variant has not been reported in the literature in individuals affected with CLCN1-related conditions. In summary, the available evidence is currently insufficient to determine the role of this variant in disease. Therefore, it has been classified as a Variant of Uncertain Significance. Advanced modeling of protein sequence and biophysical properties (such as structural, functional, and spatial information, amino acid conservation, physicochemical variation, residue mobility, and thermodynamic stability) has been performed at Invitae for this missense variant, however the output from this modeling did not meet the statistical confidence thresholds required to predict the impact of this variant on CLCN1 protein function. This variant is present in population databases (no rsID available, gnomAD 0.006%). This sequence change replaces glycine, which is neutral and non-polar, with serine, which is neutral and polar, at codon 63 of the CLCN1 protein (p.Gly63Ser).

NM_000083.3(CLCN1):c.187G>A (p.Gly63Ser)

Gene: CLCN1 (chloride voltage-gated channel 1; plus strand). Cytogenetic location: 7q34.
Variant type: single nucleotide variant.
Coding change: c.187G>A on transcript NM_000083.3 (MANE Select); coding-DNA position 187, G replaced by A.
Protein change: p.Gly63Ser; replaces glycine 63 with serine.
Molecular consequence: missense variant. On other transcripts: non-coding transcript variant (1).
Genome position (GRCh38, 1-based): chr7:143,319,761, G>A. VCF-style: chr7-143319761-G-A. GRCh37 (hg19) VCF-style: chr7-143016854-G-A.
Other names: short protein forms G63S.
Identifiers: ClinVar variation 2930943 (VCV002930943.3), dbSNP rs781383745, ClinGen allele CA369678914.